The following is an entry in ClinVar:

NM_031935.3(HMCN1):c.12864G>C (p.Leu4288Phe)

Gene: HMCN1 (hemicentin 1; plus strand). Cytogenetic location: 1q31.1.
Variant type: single nucleotide variant.
Coding change: c.12864G>C on transcript NM_031935.3 (MANE Select); coding-DNA position 12864, G replaced by C.
Protein change: p.Leu4288Phe; replaces leucine 4288 with phenylalanine.
Molecular consequence: missense variant.
Genome position (GRCh38, 1-based): chr1:186,128,251, G>C. VCF-style: chr1-186128251-G-C. GRCh37 (hg19) VCF-style: chr1-186097383-G-C.
Other names: short protein forms L4288F.
Identifiers: ClinVar variation 3012100 (VCV003012100.3), dbSNP rs1308884935, ClinGen allele CA343906081.

ClinVar aggregate classification (germline): Uncertain significance (1 of 4 stars; one submission).

Allele frequency attached by ClinVar (database versions not stated): TOPMed below 0.00001; gnomAD 0.00001.
gnomAD v4.1: 12 of 1,613,328 alleles (0.00074%); highest among the groups gnomAD compares: Non-Finnish European, 0.001%; no homozygotes.

Submission:

Labcorp Genetics (formerly Invitae), Labcorp
Classification: Uncertain significance. Last evaluated: 2022-11-16. Review status: criteria provided, single submitter. Criteria: Invitae Variant Classification Sherloc (09022015). Collection method: clinical testing. Allele origin: germline.
Comment: In summary, the available evidence is currently insufficient to determine the role of this variant in disease. Therefore, it has been classified as a Variant of Uncertain Significance. Algorithms developed to predict the effect of missense changes on protein structure and function are either unavailable or do not agree on the potential impact of this missense change (SIFT: "Deleterious"; PolyPhen-2: "Probably Damaging"; Align-GVGD: "Class C0"). This variant has not been reported in the literature in individuals affected with HMCN1-related conditions. This variant is present in population databases (no rsID available, gnomAD 0.002%). This sequence change replaces leucine, which is neutral and non-polar, with phenylalanine, which is neutral and non-polar, at codon 4288 of the HMCN1 protein (p.Leu4288Phe).